The following is an entry in ClinVar:

ClinVar aggregate classification (germline): Uncertain significance (1 of 4 stars; one submission).

Allele frequency attached by ClinVar (database versions not stated): gnomAD exomes below 0.00001 and 0.00001; TOPMed below 0.00001.
gnomAD v4.1: 6 of 1,613,800 alleles (0.00037%); highest among the groups gnomAD compares: Non-Finnish European, 0.000085%; no homozygotes.

Submission:

Labcorp Genetics (formerly Invitae), Labcorp
Classification: Uncertain significance. Last evaluated: 2022-03-03. Review status: criteria provided, single submitter. Criteria: Invitae Variant Classification Sherloc (09022015). Collection method: clinical testing. Allele origin: germline.
Comment: This sequence change replaces leucine, which is neutral and non-polar, with phenylalanine, which is neutral and non-polar, at codon 389 of the FCHO1 protein (p.Leu389Phe). The frequency data for this variant in the population databases is considered unreliable, as metrics indicate poor data quality at this position in the gnomAD database. This variant has not been reported in the literature in individuals affected with FCHO1-related conditions. Algorithms developed to predict the effect of missense changes on protein structure and function are either unavailable or do not agree on the potential impact of this missense change (SIFT: "Deleterious"; PolyPhen-2: "Probably Damaging"; Align-GVGD: "Class C0"). In summary, the available evidence is currently insufficient to determine the role of this variant in disease. Therefore, it has been classified as a Variant of Uncertain Significance.

NM_015122.3(FCHO1):c.1165C>T (p.Leu389Phe)

Gene: FCHO1 (FCH and mu domain containing endocytic adaptor 1; plus strand). Cytogenetic location: 19p13.11.
Variant type: single nucleotide variant.
Coding change: c.1165C>T on transcript NM_015122.3 (MANE Select); coding-DNA position 1165, C replaced by T.
Protein change: p.Leu389Phe; replaces leucine 389 with phenylalanine.
Molecular consequence: missense variant. On other transcripts: non-coding transcript variant (36).
Genome position (GRCh38, 1-based): chr19:17,776,144, C>T. VCF-style: chr19-17776144-C-T. GRCh37 (hg19) VCF-style: chr19-17886953-C-T.
Other names: c.1165C>T, p.Leu389Phe (NM_001161357.2, NM_001161358.2, NM_001384370.1 and 25 more transcripts); c.1015C>T, p.Leu339Phe (NM_001161359.2, NM_001384384.1, NM_001384385.1 and 3 more transcripts); c.1126C>T, p.Leu376Phe (NM_001384388.1, NM_001384389.1, NM_001384405.1); c.1090C>T, p.Leu364Phe (NM_001384390.1); c.1120C>T, p.Leu374Phe (NM_001384403.1); short protein forms L339F, L376F, L389F, L374F, L364F.
Identifiers: ClinVar variation 1489951 (VCV001489951.8), dbSNP rs1366625982, ClinGen allele CA404751520.
Genomic context (GRCh38, chr19:17,776,144, plus strand): 5'-CCAGCCTGCAGCCCCGAGGCAGCAGCGGCACAGCTCAGGGCCACCGCGGGCAGCCTCATC[C>T]TTCCTCCTGGCCCAGGGGTGAGGCGTGGGAGGGGTGCCCTGGGTGTTGCTAGAGAGGCTG-3'
Protein context (NP_055937.1, residues 379-399): QLRATAGSLI[Leu389Phe]PPGPGGTMKR